The following is an entry in ClinVar:

ClinVar aggregate classification (germline): Uncertain significance (1 of 4 stars; one submission).

Conditions:
Symmetrical dyschromatosis of extremities (DSH). Also called: RETICULATE ACROPIGMENTATION OF DOHI; DYSCHROMATOSIS SYMMETRICA HEREDITARIA 1; SYMMETRIC DYSCHROMATOSIS OF THE EXTREMITIES; Dyschromatosis symmetrica hereditaria. Identifiers: Orphanet 41, MedGen C0406775, MONDO:0007483, OMIM 127400.
Aicardi-Goutieres syndrome 6 (AGS6). Identifiers: Orphanet 51, MedGen C3539013, MONDO:0014007, OMIM 615010.

Submission:

Labcorp Genetics (formerly Invitae), Labcorp
Classification: Uncertain significance for Aicardi-Goutieres syndrome 6; Symmetrical dyschromatosis of extremities. Last evaluated: 2023-12-01. Review status: criteria provided, single submitter. Criteria: Invitae Variant Classification Sherloc (09022015). Collection method: clinical testing. Allele origin: germline.
Comment: This sequence change replaces isoleucine, which is neutral and non-polar, with valine, which is neutral and non-polar, at codon 920 of the ADAR protein (p.Ile920Val). This variant is not present in population databases (gnomAD no frequency). This variant has not been reported in the literature in individuals affected with ADAR-related conditions. Advanced modeling of protein sequence and biophysical properties (such as structural, functional, and spatial information, amino acid conservation, physicochemical variation, residue mobility, and thermodynamic stability) performed at Invitae indicates that this missense variant is not expected to disrupt ADAR protein function with a negative predictive value of 80%. In summary, the available evidence is currently insufficient to determine the role of this variant in disease. Therefore, it has been classified as a Variant of Uncertain Significance.

NM_001111.5(ADAR):c.2758A>G (p.Ile920Val)

Genes: ADAR (adenosine deaminase RNA specific; minus strand), LOC126805874 (CDK7 strongly-dependent group 2 enhancer GRCh37_chr1:154561176-154562375; plus strand). Cytogenetic location: 1q21.3.
Variant type: single nucleotide variant.
Coding change: c.2758A>G on transcript NM_001111.5 (MANE Select); coding-DNA position 2758, A replaced by G.
Protein change: p.Ile920Val; replaces isoleucine 920 with valine.
Molecular consequence: missense variant.
Genome position (GRCh38, 1-based): chr1:154,589,373, T>C on the plus strand (A>G on the coding strand, the complement: ADAR is on the minus strand). VCF-style: chr1-154589373-T-C. GRCh37 (hg19) VCF-style: chr1-154561849-T-C.
Other names: c.1873A>G, p.Ile625Val (NM_001025107.3, NM_001193495.2, NM_001365046.1 and 2 more transcripts); c.2785A>G, p.Ile929Val (NM_001365045.1); c.1795A>G, p.Ile599Val (NM_001365049.1); c.2680A>G, p.Ile894Val (NM_015840.4); c.2623A>G, p.Ile875Val (NM_015841.4); short protein forms I599V, I920V, I929V, I894V, I625V, I875V.
Identifiers: ClinVar variation 2954166 (VCV002954166.3), dbSNP rs766337056, ClinGen allele CA342636529.